The following is an entry in ClinVar:

NM_003748.4(ALDH4A1):c.1096G>A (p.Gly366Arg)

Gene: ALDH4A1 (aldehyde dehydrogenase 4 family member A1; minus strand). Cytogenetic location: 1p36.13.
Variant type: single nucleotide variant.
Coding change: c.1096G>A on transcript NM_003748.4 (MANE Select); coding-DNA position 1096, G replaced by A.
Protein change: p.Gly366Arg; replaces glycine 366 with arginine.
Molecular consequence: missense variant.
Genome position (GRCh38, 1-based): chr1:18,877,457, C>T on the plus strand (G>A on the coding strand, the complement: ALDH4A1 is on the minus strand). VCF-style: chr1-18877457-C-T. GRCh37 (hg19) VCF-style: chr1-19203951-C-T.
Other names: c.916G>A, p.Gly306Arg (NM_001161504.2); c.1096G>A, p.Gly366Arg (NM_001319218.2, NM_170726.3); short protein forms G366R, G306R.
Identifiers: ClinVar variation 702767 (VCV000702767.37), dbSNP rs41306567, ClinGen allele CA647076.

ClinVar aggregate classification (germline): Conflicting classifications of pathogenicity. Review status: criteria provided, conflicting classifications (1 of 4 stars). 3 submissions from 3 submitters: Uncertain significance (1); Benign (2). Last evaluated 2026-04-01.

Conditions:
Hyperprolinemia type 2 (HYRPRO2). Also called: Delta-1-pyrroline-5-carboxylate dehydrogenase deficiency; Deficiency of pyrroline-5-carboxylate reductase; 1-PYRROLINE-5-CARBOXYLATE DEHYDROGENASE DEFICIENCY. Identifiers: Orphanet 79101, MedGen C2931835, MONDO:0009401, OMIM 239510.

Allele frequency attached by ClinVar (database versions not stated): ESP Exome Variant Server 0.00100; gnomAD 0.00133 and 0.00170; 1000 Genomes Project 0.00180; TOPMed 0.00180; 1000 Genomes Project 30x 0.00203; gnomAD exomes 0.00215 and 0.00324; ExAC 0.00755.
gnomAD v4.1: 3,393 of 1,594,096 alleles (0.21%); highest among the groups gnomAD compares: South Asian, 1.3%; 50 homozygotes.

Submissions (3):

CeGaT Center for Human Genetics Tuebingen
Classification: Benign. Last evaluated: 2026-04-01. Review status: criteria provided, single submitter. Criteria: CeGaT Center For Human Genetics Tuebingen Variant Classification Criteria Version 2. Collection method: clinical testing. Allele origin: germline. Affected: yes. Observed: 4 variant alleles.
Comment: ALDH4A1: BP4, BS1, BS2

Labcorp Genetics (formerly Invitae), Labcorp
Classification: Benign for Hyperprolinemia type 2. Last evaluated: 2026-01-25. Review status: criteria provided, single submitter. Criteria: Invitae Variant Classification Sherloc (09022015). Collection method: clinical testing. Allele origin: germline.

Illumina Laboratory Services, Illumina
Classification: Uncertain significance for Hyperprolinemia type 2. Last evaluated: 2017-04-27. Review status: criteria provided, single submitter. Criteria: ICSL Variant Classification Criteria 13 December 2019. Collection method: clinical testing. Allele origin: germline.